The following is an entry in ClinVar:

ClinVar aggregate classification (germline): Uncertain significance. Review status: criteria provided, single submitter (1 of 4 stars). 2 submissions from 2 submitters: Uncertain significance (1). 1 of the submissions does not count toward it. Last evaluated 2022-12-02.

Conditions:
PMM2-congenital disorder of glycosylation. Also called: PHOSPHOMANNOMUTASE 2 DEFICIENCY; CARBOHYDRATE-DEFICIENT GLYCOPROTEIN SYNDROME, TYPE Ia; CDG Ia; PMM2-CDG; Congenital disorder of glycosylation, type Ia; JAEKEN SYNDROME. Identifiers: Orphanet 79318, MedGen C0349653, MONDO:0008907, OMIM 212065.

Submissions (2):

Women's Health and Genetics/Laboratory Corporation of America, LabCorp
Classification: Uncertain significance. Last evaluated: 2022-12-02. Review status: criteria provided, single submitter. Criteria: LabCorp Variant Classification Summary - May 2015. Collection method: clinical testing. Allele origin: germline.
Comment: Variant summary: PMM2 c.739T>C (p.X247GlnextX15) changes the termination codon and is predicted to lead to an extended protein with additional amino acids added to the normal C-terminus. PMM2 c.739T>C (p.X247GlnextX15) causes a frameshift which results in an extension of the protein. The variant was absent in 250306 control chromosomes. The available data on variant occurrences in the general population are insufficient to allow any conclusion about variant significance. To our knowledge, no occurrence of c.739T>C in individuals affected with Congenital Disorder Of Glycosylation Type 1a and no experimental evidence demonstrating its impact on protein function have been reported. One clinical diagnostic laboratory has submitted clinical-significance assessments for this variant to ClinVar after 2014 without evidence for independent evaluation and classified the variant as uncertain significance. Based on the evidence outlined above, the variant was classified as uncertain significance.

Counsyl
Classification: Uncertain significance for PMM2-congenital disorder of glycosylation. Last evaluated: 2018-05-30. Review status: no assertion criteria provided. Collection method: clinical testing. Allele origin: unknown. Not counted in ClinVar's aggregate classification.

NM_000303.3(PMM2):c.739T>C (p.Ter247Gln)

Gene: PMM2 (phosphomannomutase 2; plus strand). Cytogenetic location: 16p13.2.
Variant type: single nucleotide variant.
Coding change: c.739T>C on transcript NM_000303.3 (MANE Select); coding-DNA position 739, T replaced by C.
Protein change: p.Ter247Gln.
Molecular consequence: stop lost.
Genome position (GRCh38, 1-based): chr16:8,847,823, T>C. VCF-style: chr16-8847823-T-C. GRCh37 (hg19) VCF-style: chr16-8941680-T-C.
Other names: *247Q.
Identifiers: ClinVar variation 558536 (VCV000558536.3), dbSNP rs1555453271, ClinGen allele CA394689724.
Genomic context (GRCh38, chr16:8,847,823, plus strand): 5'-ATGGGCTACTCCGTGACAGCGCCTGAGGACACGCGCAGGATCTGTGAACTGCTGTTCTCC[T>C]AACGTGGGAGCGGGAGGGGCGGGGTCCCGGCTGACAAGCCAGCATAGGGCATTCGGTGGC-3'